The following is an entry in ClinVar:

NM_001378457.1(DMXL2):c.264A>G (p.Ile88Met)

Gene: DMXL2 (Dmx like 2; minus strand). Cytogenetic location: 15q21.2.
Variant type: single nucleotide variant.
Coding change: c.264A>G on transcript NM_001378457.1 (MANE Select); coding-DNA position 264, A replaced by G.
Protein change: p.Ile88Met; replaces isoleucine 88 with methionine.
Molecular consequence: missense variant. On other transcripts: non-coding transcript variant (2).
Genome position (GRCh38, 1-based): chr15:51,568,508, T>C on the plus strand (A>G on the coding strand, the complement: DMXL2 is on the minus strand). VCF-style: chr15-51568508-T-C. GRCh37 (hg19) VCF-style: chr15-51860705-T-C.
Other names: c.264A>G, p.Ile88Met (NM_001174116.3, NM_001174117.3, NM_001378458.1 and 7 more transcripts); short protein forms I88M.
Identifiers: ClinVar variation 1996304 (VCV001996304.4), dbSNP rs2548718880, ClinGen allele CA392758204.

ClinVar aggregate classification (germline): Uncertain significance (1 of 4 stars; one submission).

Submission:

Labcorp Genetics (formerly Invitae), Labcorp
Classification: Uncertain significance. Last evaluated: 2022-05-19. Review status: criteria provided, single submitter. Criteria: Invitae Variant Classification Sherloc (09022015). Collection method: clinical testing. Allele origin: germline.
Comment: Algorithms developed to predict the effect of missense changes on protein structure and function are either unavailable or do not agree on the potential impact of this missense change (SIFT: "Tolerated"; PolyPhen-2: "Possibly Damaging"; Align-GVGD: "Class C0"). In summary, the available evidence is currently insufficient to determine the role of this variant in disease. Therefore, it has been classified as a Variant of Uncertain Significance. This variant has not been reported in the literature in individuals affected with DMXL2-related conditions. This variant is not present in population databases (gnomAD no frequency). This sequence change replaces isoleucine, which is neutral and non-polar, with methionine, which is neutral and non-polar, at codon 88 of the DMXL2 protein (p.Ile88Met).